The following is an entry in ClinVar:

ClinVar aggregate classification (germline): Uncertain significance. Review status: criteria provided, multiple submitters, no conflicts (2 of 4 stars). 2 submissions from 2 submitters: Uncertain significance (2). Last evaluated 2023-12-29.

Conditions:
Ataxia-telangiectasia-like disorder (ATLD). Identifiers: MedGen C1858391, MONDO:0011457.
Hereditary cancer-predisposing syndrome. Also called: Neoplastic Syndromes, Hereditary; Tumor predisposition; Hereditary Cancer Syndrome; Hereditary neoplastic syndrome. Identifiers: Orphanet 140162, MedGen C0027672, MeSH D009386, MONDO:0015356.

Allele frequency attached by ClinVar (database versions not stated): gnomAD exomes below 0.00001 and 0.00001.
gnomAD v4.1: 3 of 1,614,072 alleles (0.00019%); highest among the groups gnomAD compares: Non-Finnish European, 0.00025%; no homozygotes.

Submissions (2):

Ambry Genetics
Classification: Uncertain significance for Hereditary cancer-predisposing syndrome. Last evaluated: 2023-12-29. Review status: criteria provided, single submitter. Criteria: Ambry Variant Classification Scheme 2023. Collection method: clinical testing. Allele origin: germline.
Comment: The p.D544E variant (also known as c.1632C>G), located in coding exon 14 of the MRE11A gene, results from a C to G substitution at nucleotide position 1632. The aspartic acid at codon 544 is replaced by glutamic acid, an amino acid with highly similar properties. This amino acid position is well conserved in available vertebrate species. In addition, this alteration is predicted to be tolerated by in silico analysis. Since supporting evidence is limited at this time, the clinical significance of this alteration remains unclear.

Labcorp Genetics (formerly Invitae), Labcorp
Classification: Uncertain significance for Ataxia-telangiectasia-like disorder. Last evaluated: 2021-07-31. Review status: criteria provided, single submitter. Criteria: Invitae Variant Classification Sherloc (09022015). Collection method: clinical testing. Allele origin: germline.
Comment: This sequence change replaces aspartic acid with glutamic acid at codon 544 of the MRE11 protein (p.Asp544Glu). The aspartic acid residue is moderately conserved and there is a small physicochemical difference between aspartic acid and glutamic acid. This variant has not been reported in the literature in individuals affected with MRE11-related conditions. This variant is not present in population databases (ExAC no frequency). ClinVar contains an entry for this variant (Variation ID: 481759). Algorithms developed to predict the effect of missense changes on protein structure and function (SIFT, PolyPhen-2, Align-GVGD) all suggest that this variant is likely to be tolerated. In summary, the available evidence is currently insufficient to determine the role of this variant in disease. Therefore, it has been classified as a Variant of Uncertain Significance.

NM_005591.4(MRE11):c.1632C>G (p.Asp544Glu)

Gene: MRE11 (MRE11 double strand break repair nuclease; minus strand). Cytogenetic location: 11q21.
Variant type: single nucleotide variant.
Coding change: c.1632C>G on transcript NM_005591.4 (MANE Select); coding-DNA position 1632, C replaced by G.
Protein change: p.Asp544Glu; replaces aspartic acid 544 with glutamic acid.
Molecular consequence: missense variant.
Genome position (GRCh38, 1-based): chr11:94,447,370, G>C on the plus strand (C>G on the coding strand, the complement: MRE11 is on the minus strand). VCF-style: chr11-94447370-G-C. GRCh37 (hg19) VCF-style: chr11-94180536-G-C.
Other names: c.1632C>G, p.Asp544Glu (NM_001330347.2, NM_005590.4); short protein forms D544E.
Identifiers: ClinVar variation 481759 (VCV000481759.11), dbSNP rs1450541901, ClinGen allele CA382368564.